The following is an entry in ClinVar:

NM_000053.4(ATP7B):c.23T>A (p.Ile8Asn)

Gene: ATP7B (ATPase copper transporting beta; minus strand). Cytogenetic location: 13q14.3.
Variant type: single nucleotide variant.
Coding change: c.23T>A on transcript NM_000053.4 (MANE Select); coding-DNA position 23, T replaced by A.
Protein change: p.Ile8Asn; replaces isoleucine 8 with asparagine.
Molecular consequence: missense variant. On other transcripts: 5 prime UTR variant (3).
Genome position (GRCh38, 1-based): chr13:52,011,315, A>T on the plus strand (T>A on the coding strand, the complement: ATP7B is on the minus strand). VCF-style: chr13-52011315-A-T. GRCh37 (hg19) VCF-style: chr13-52585451-A-T.
Other names: c.23T>A, p.Ile8Asn (NM_001005918.3, NM_001243182.2, NM_001330578.2 and 30 more transcripts); c.-165T>A (NM_001406518.1); c.-107T>A (NM_001406539.1, NM_001406543.1); short protein forms I8N.
Identifiers: ClinVar variation 3073737 (VCV003073737.1), dbSNP rs1246224304, ClinGen allele CA388047653.

ClinVar aggregate classification (germline): Uncertain significance (1 of 4 stars; one submission).

Conditions:
Wilson disease (WND). Also called: Wilson's disease. Identifiers: Orphanet 905, MedGen C0019202, MONDO:0010200, OMIM 277900. Disease mechanism: loss of function.

Allele frequency attached by ClinVar (database versions not stated): gnomAD exomes below 0.00001.
gnomAD v4.1: 1 of 1,614,194 alleles (0.000062%); highest among the groups gnomAD compares: Non-Finnish European, 0.000085%; no homozygotes.

Submission:

All of Us Research Program, National Institutes of Health
Classification: Uncertain significance for Wilson disease. Last evaluated: 2023-10-06. Review status: criteria provided, single submitter. Criteria: ACMG Guidelines, 2015. Collection method: clinical testing. Allele origin: germline. Inheritance: Autosomal recessive inheritance. Observed: 1 variant allele, 1 heterozygote.
Comment: This missense variant replaces isoleucine with asparagine at codon 8 of the ATP7B protein. Computational prediction suggests that this variant may not impact protein structure and function (internally defined REVEL score threshold <= 0.5, PMID: 27666373). To our knowledge, functional studies have not been reported for this variant. This variant has not been reported in individuals affected with ATP7B-related disorders in the literature. This variant has not been identified in the general population by the Genome Aggregation Database (gnomAD). The available evidence is insufficient to determine the role of this variant in disease conclusively. Therefore, this variant is classified as a Variant of Uncertain Significance.

This study involves interpretation of variants in research participants for the purpose of population health screening. Participant phenotype was not available at the time of variant classification. Additional details can be found in publication PMID: 35346344, PMCID: PMC8962531